The following is an entry in ClinVar:

ClinVar aggregate classification (germline): Conflicting classifications of pathogenicity. Review status: criteria provided, conflicting classifications (1 of 4 stars). 3 submissions from 3 submitters: Uncertain significance (2); Likely benign (1). Last evaluated 2026-01-01.

Conditions:
Colorectal cancer, hereditary nonpolyposis, type 7. Identifiers: Orphanet 144, MedGen C1858380, MONDO:0013725, OMIM 614385.

Allele frequency attached by ClinVar (database versions not stated): ExAC 0.00004; gnomAD exomes 0.00004; gnomAD 0.00006; TOPMed 0.00006.
gnomAD v4.1: 81 of 1,613,780 alleles (0.005%); highest among the groups gnomAD compares: Admixed American, 0.013%; no homozygotes.

Submissions (3):

Labcorp Genetics (formerly Invitae), Labcorp
Classification: Uncertain significance for Colorectal cancer, hereditary nonpolyposis, type 7. Last evaluated: 2026-01-01. Review status: criteria provided, single submitter. Criteria: Invitae Variant Classification Sherloc (09022015). Collection method: clinical testing. Allele origin: germline.
Comment: This sequence change replaces arginine, which is basic and polar, with cysteine, which is neutral and slightly polar, at codon 742 of the MLH3 protein (p.Arg742Cys). This variant is present in population databases (rs774817891, gnomAD 0.01%). This variant has not been reported in the literature in individuals affected with MLH3-related conditions. ClinVar contains an entry for this variant (Variation ID: 575388). An algorithm developed to predict the effect of missense changes on protein structure and function outputs the following: PolyPhen-2: "Benign". The cysteine amino acid residue is found in multiple mammalian species, which suggests that this missense change does not adversely affect protein function. In summary, the available evidence is currently insufficient to determine the role of this variant in disease. Therefore, it has been classified as a Variant of Uncertain Significance.

Center for Genomic Medicine, Rigshospitalet, Copenhagen University Hospital
Classification: Uncertain significance. Last evaluated: 2025-03-04. Review status: criteria provided, single submitter. Criteria: ACMG Guidelines, 2015. Collection method: clinical testing. Allele origin: germline.

Ambry Genetics
Classification: Likely benign. Last evaluated: 2024-03-07. Review status: criteria provided, single submitter. Criteria: Ambry Variant Classification Scheme 2023. Collection method: clinical testing. Allele origin: germline.

NM_001040108.2(MLH3):c.2224C>T (p.Arg742Cys)

Gene: MLH3 (mutL homolog 3; minus strand). Cytogenetic location: 14q24.3.
Variant type: single nucleotide variant.
Coding change: c.2224C>T on transcript NM_001040108.2 (MANE Select); coding-DNA position 2224, C replaced by T.
Protein change: p.Arg742Cys; replaces arginine 742 with cysteine.
Molecular consequence: missense variant.
Genome position (GRCh38, 1-based): chr14:75,047,432, G>A on the plus strand (C>T on the coding strand, the complement: MLH3 is on the minus strand). VCF-style: chr14-75047432-G-A. GRCh37 (hg19) VCF-style: chr14-75514135-G-A.
Other names: c.2224C>T, p.Arg742Cys (NM_014381.3); short protein forms R742C.
Identifiers: ClinVar variation 575388 (VCV000575388.12), dbSNP rs774817891, ClinGen allele CA7275732.